The following is an entry in ClinVar:

NM_004184.4(WARS1):c.1348A>C (p.Lys450Gln)

Gene: WARS1 (tryptophanyl-tRNA synthetase 1; minus strand). Cytogenetic location: 14q32.2.
Variant type: single nucleotide variant.
Coding change: c.1348A>C on transcript NM_004184.4 (MANE Select); coding-DNA position 1348, A replaced by C.
Protein change: p.Lys450Gln; replaces lysine 450 with glutamine.
Molecular consequence: missense variant.
Genome position (GRCh38, 1-based): chr14:100,334,943, T>G on the plus strand (A>C on the coding strand, the complement: WARS1 is on the minus strand). VCF-style: chr14-100334943-T-G. GRCh37 (hg19) VCF-style: chr14-100801280-T-G.
Other names: c.1348A>C, p.Lys450Gln (NM_173701.2); c.1225A>C, p.Lys409Gln (NM_213645.2, NM_213646.2); short protein forms K409Q, K450Q.
Identifiers: ClinVar variation 2644529 (VCV002644529.24), dbSNP rs1893606098, ClinGen allele CA390979056.

ClinVar aggregate classification (germline): Uncertain significance (1 of 4 stars; one submission).

Submission:

CeGaT Center for Human Genetics Tuebingen
Classification: Uncertain significance. Last evaluated: 2022-11-01. Review status: criteria provided, single submitter. Criteria: CeGaT Center For Human Genetics Tuebingen Variant Classification Criteria Version 2. Collection method: clinical testing. Allele origin: germline. Affected: yes. Observed: 1 variant allele.
Comment: WARS1: PM2, BP4